The following is an entry in ClinVar:

NM_173598.6(KSR2):c.2253G>A (p.Val751=)

Gene: KSR2 (kinase suppressor of ras 2; minus strand). Cytogenetic location: 12q24.22.
Variant type: single nucleotide variant.
Coding change: c.2253G>A on transcript NM_173598.6 (MANE Select); coding-DNA position 2253, G replaced by A.
Protein change: p.Val751=; no amino-acid change (valine 751 retained).
Molecular consequence: synonymous variant.
Genome position (GRCh38, 1-based): chr12:117,485,658, C>T on the plus strand (G>A on the coding strand, the complement: KSR2 is on the minus strand). VCF-style: chr12-117485658-C-T. GRCh37 (hg19) VCF-style: chr12-117923463-C-T.
Identifiers: ClinVar variation 3037928 (VCV003037928.4), dbSNP rs377194435, ClinGen allele CA6815772.

ClinVar aggregate classification (germline): Benign. Review status: criteria provided, single submitter (1 of 4 stars). 2 submissions from 2 submitters: Benign (1). 1 of the submissions does not count toward it. Last evaluated 2025-10-08.

Conditions:
KSR2-related disorder. Also called: KSR2-related condition.

Allele frequency attached by ClinVar (database versions not stated): gnomAD exomes 0.00007; ExAC 0.00021; gnomAD 0.00068; ESP Exome Variant Server 0.00041; 1000 Genomes Project 0.00060; 1000 Genomes Project 30x 0.00062; TOPMed 0.00078.
gnomAD v4.1: 207 of 1,613,624 alleles (0.013%); highest among the groups gnomAD compares: African/African-American, 0.24%; no homozygotes.

Submissions (2):

Labcorp Genetics (formerly Invitae), Labcorp
Classification: Benign. Last evaluated: 2025-10-08. Review status: criteria provided, single submitter. Criteria: Invitae Variant Classification Sherloc (09022015). Collection method: clinical testing. Allele origin: germline.

PreventionGenetics, part of Exact Sciences
Classification: Likely benign for KSR2-related condition. Last evaluated: 2020-03-18. Review status: no assertion criteria provided. Collection method: clinical testing. Allele origin: germline. Not counted in ClinVar's aggregate classification.
Comment: This variant is classified as likely benign based on ACMG/AMP sequence variant interpretation guidelines (Richards et al. 2015 PMID: 25741868, with internal and published modifications).